The following is an entry in ClinVar:

ClinVar aggregate classification (germline): Uncertain significance (1 of 4 stars; one submission).

Conditions:
Cardiovascular phenotype. Identifiers: MedGen CN230736.

Submission:

Ambry Genetics
Classification: Uncertain significance for Cardiovascular phenotype. Last evaluated: 2022-10-27. Review status: criteria provided, single submitter. Criteria: Ambry Variant Classification Scheme 2023. Collection method: clinical testing. Allele origin: germline.
Comment: The p.S74P variant (also known as c.220T>C), located in coding exon 3 of the RYR2 gene, results from a T to C substitution at nucleotide position 220. The serine at codon 74 is replaced by proline, an amino acid with similar properties. This amino acid position is highly conserved in available vertebrate species. In addition, this alteration is predicted to be deleterious by in silico analysis. Since supporting evidence is limited at this time, the clinical significance of this alteration remains unclear.

NM_001035.3(RYR2):c.220T>C (p.Ser74Pro)

Gene: RYR2 (ryanodine receptor 2; plus strand). Cytogenetic location: 1q43.
Variant type: single nucleotide variant.
Coding change: c.220T>C on transcript NM_001035.3 (MANE Select); coding-DNA position 220, T replaced by C.
Protein change: p.Ser74Pro; replaces serine 74 with proline.
Molecular consequence: missense variant.
Genome position (GRCh38, 1-based): chr1:237,330,929, T>C. VCF-style: chr1-237330929-T-C. GRCh37 (hg19) VCF-style: chr1-237494229-T-C.
Other names: short protein forms S74P.
Identifiers: ClinVar variation 1787753 (VCV001787753.2), dbSNP rs2529154836, ClinGen allele CA345654642.